The following is an entry in ClinVar:

ClinVar aggregate classification (germline): Likely benign. Review status: criteria provided, multiple submitters, no conflicts (2 of 4 stars). 2 submissions from 2 submitters: Likely benign (2). Last evaluated 2026-04-01.

Allele frequency attached by ClinVar (database versions not stated): TOPMed 0.00001.
gnomAD v4.1: 1 of 1,121,408 alleles (0.000089%); highest among the groups gnomAD compares: Admixed American, 0.003%; no homozygotes.

Submissions (2):

CeGaT Center for Human Genetics Tuebingen
Classification: Likely benign. Last evaluated: 2026-04-01. Review status: criteria provided, single submitter. Criteria: CeGaT Center For Human Genetics Tuebingen Variant Classification Criteria Version 2. Collection method: clinical testing. Allele origin: germline. Affected: yes. Observed: 1 variant allele.
Comment: ATP6AP1: BP4, BP7

Labcorp Genetics (formerly Invitae), Labcorp
Classification: Likely benign. Last evaluated: 2023-01-25. Review status: criteria provided, single submitter. Criteria: Invitae Variant Classification Sherloc (09022015). Collection method: clinical testing. Allele origin: germline.

NM_001183.6(ATP6AP1):c.102G>T (p.Ala34=)

Gene: ATP6AP1 (ATPase H+ transporting accessory protein 1; plus strand). Cytogenetic location: Xq28.
Variant type: single nucleotide variant.
Coding change: c.102G>T on transcript NM_001183.6 (MANE Select); coding-DNA position 102, G replaced by T.
Protein change: p.Ala34=; no amino-acid change (alanine 34 retained).
Molecular consequence: synonymous variant.
Genome position (GRCh38, 1-based): chrX:154,428,794, G>T. VCF-style: chrX-154428794-G-T. GRCh37 (hg19) VCF-style: chrX-153657140-G-T.
Identifiers: ClinVar variation 2966294 (VCV002966294.5), dbSNP rs1191344600, ClinGen allele CA519279711.